The following is an entry in ClinVar:

NM_000059.4(BRCA2):c.4462_4467del (p.His1488_Lys1489del)

Gene: BRCA2 (BRCA2 DNA repair associated; plus strand). Cytogenetic location: 13q13.1.
Variant type: Deletion.
Coding change: c.4462_4467del on transcript NM_000059.4 (MANE Select); coding-DNA positions 4462 to 4467, 6 bases deleted (CACAAA; older notation c.4462_4467delCACAAA).
Protein change: p.His1488_Lys1489del.
Molecular consequence: inframe deletion.
Genome position (GRCh38, 1-based): chr13:32,338,817-32,338,822, CACAAA deleted; deleting any 6 consecutive bases within chr13:32,338,814-32,338,822 gives the same sequence; the c. name uses the placement nearest the transcript's 3' end. VCF-style (leftmost placement, unchanged base first): chr13-32338813-TAAACAC-T. GRCh37 (hg19) VCF-style: chr13-32912950-TAAACAC-T.
Other names: c.4462_4467delCACAAA (NM_000059.3).
Identifiers: ClinVar variation 926606 (VCV000926606.13), dbSNP rs1300676731, ClinGen allele CA697338409.

ClinVar aggregate classification (germline): Uncertain significance. Review status: criteria provided, multiple submitters, no conflicts (2 of 4 stars). 3 submissions from 3 submitters: Uncertain significance (3). Last evaluated 2025-02-06.

Conditions:
Hereditary cancer-predisposing syndrome. Also called: Neoplastic Syndromes, Hereditary; Tumor predisposition; Hereditary Cancer Syndrome; Hereditary neoplastic syndrome. Identifiers: Orphanet 140162, MedGen C0027672, MeSH D009386, MONDO:0015356.
Hereditary breast ovarian cancer syndrome. Also called: Hereditary breast and ovarian cancer syndrome; BRCA1- and BRCA2-Associated Hereditary Breast and Ovarian Cancer; Hereditary breast and ovarian cancer; Hereditary breast and ovarian cancer syndrome (HBOC); Breast and ovarian cancer; Hereditary breast and/or ovarian cancer syndrome. Identifiers: Orphanet 145, MedGen C0677776, MeSH D061325, MONDO:0003582. Disease mechanism: loss of function.

Submissions (3):

Ambry Genetics
Classification: Uncertain significance for Hereditary cancer-predisposing syndrome. Last evaluated: 2025-02-06. Review status: criteria provided, single submitter. Criteria: Ambry Variant Classification Scheme 2023. Collection method: clinical testing. Allele origin: germline.
Comment: The c.4462_4467delCACAAA variant (also known as p.H1488_K1489del) is located in coding exon 10 of the BRCA2 gene. This variant results from an in-frame CACAAA deletion at nucleotide positions 4462 to 4467. This results in the in-frame deletion of two amino acids at codons 1488 and 1489. This amino acid region is not well conserved in available vertebrate species. In addition, this alteration is predicted to be deleterious by in silico analysis (Choi Y et al. PLoS ONE. 2012; 7(10):e46688). Based on the available evidence, the clinical significance of this variant remains unclear.

Labcorp Genetics (formerly Invitae), Labcorp
Classification: Uncertain significance for Hereditary breast ovarian cancer syndrome. Last evaluated: 2022-05-07. Review status: criteria provided, single submitter. Criteria: Invitae Variant Classification Sherloc (09022015). Collection method: clinical testing. Allele origin: germline.
Comment: ClinVar contains an entry for this variant (Variation ID: 926606). In summary, the available evidence is currently insufficient to determine the role of this variant in disease. Therefore, it has been classified as a Variant of Uncertain Significance. Experimental studies and prediction algorithms are not available or were not evaluated, and the functional significance of this variant is currently unknown. This variant has not been reported in the literature in individuals affected with BRCA2-related conditions. This variant is not present in population databases (gnomAD no frequency). This variant, c.4462_4467del, results in the deletion of 2 amino acid(s) of the BRCA2 protein (p.His1488_Lys1489del), but otherwise preserves the integrity of the reading frame.

Color Diagnostics, LLC DBA Color Health
Classification: Uncertain significance for Hereditary cancer-predisposing syndrome. Last evaluated: 2019-06-27. Review status: criteria provided, single submitter. Criteria: ACMG Guidelines, 2015. Collection method: clinical testing. Allele origin: germline.